The following is an entry in ClinVar:

NM_001375524.1(TRRAP):c.1405AAG[1] (p.Lys470del)

Gene: TRRAP (transformation/transcription domain associated protein; plus strand). Cytogenetic location: 7q22.1.
Variant type: Microsatellite.
Coding change: c.1405AAG[1] on transcript NM_001375524.1 (MANE Select); one copy of the 3-base unit AAG starting at c.1405; the reference has two copies in a row; one copy, 3 bases deleted.
Protein change: p.Lys470del; deletes lysine 470.
Molecular consequence: inframe deletion.
Genome position (GRCh38, 1-based): chr7:98,910,113-98,910,115, AAG deleted; deleting any 3 consecutive bases within chr7:98,910,110-98,910,115 gives the same sequence; the position shown is the placement nearest the transcript's 3' end. VCF-style (leftmost placement, unchanged base first): chr7-98910109-TAAG-T. GRCh37 (hg19) VCF-style: chr7-98507732-TAAG-T.
Other names: c.1405AAG[1], p.Lys470del (NM_001244580.2, NM_003496.4); short protein forms K470del.
Identifiers: ClinVar variation 2879437 (VCV002879437.3), dbSNP rs2484711856, ClinGen allele CA2683894741.

ClinVar aggregate classification (germline): Uncertain significance (1 of 4 stars; one submission).

Submission:

Labcorp Genetics (formerly Invitae), Labcorp
Classification: Uncertain significance. Last evaluated: 2023-01-19. Review status: criteria provided, single submitter. Criteria: Invitae Variant Classification Sherloc (09022015). Collection method: clinical testing. Allele origin: germline.
Comment: This variant, c.1408_1410del, results in the deletion of 1 amino acid(s) of the TRRAP protein (p.Lys470del), but otherwise preserves the integrity of the reading frame. This variant is not present in population databases (gnomAD no frequency). This variant has not been reported in the literature in individuals affected with TRRAP-related conditions. Experimental studies and prediction algorithms are not available or were not evaluated, and the functional significance of this variant is currently unknown. In summary, the available evidence is currently insufficient to determine the role of this variant in disease. Therefore, it has been classified as a Variant of Uncertain Significance.